The following is an entry in ClinVar:

NM_002246.3(KCNK3):c.452G>A (p.Arg151His)

Gene: KCNK3 (potassium two pore domain channel subfamily K member 3; plus strand). Cytogenetic location: 2p23.3.
Variant type: single nucleotide variant.
Coding change: c.452G>A on transcript NM_002246.3 (MANE Select); coding-DNA position 452, G replaced by A.
Protein change: p.Arg151His; replaces arginine 151 with histidine.
Molecular consequence: missense variant.
Genome position (GRCh38, 1-based): chr2:26,727,835, G>A. VCF-style: chr2-26727835-G-A. GRCh37 (hg19) VCF-style: chr2-26950703-G-A.
Other names: short protein forms R151H.
Identifiers: ClinVar variation 3670543 (VCV003670543.2).

ClinVar aggregate classification (germline): Uncertain significance (1 of 4 stars; one submission).

Conditions:
Pulmonary hypertension, primary, 4. Identifiers: Orphanet 422, MedGen C3809198, MONDO:0014136, OMIM 615344.

gnomAD v4.1: 36 of 1,612,324 alleles (0.0022%); highest among the groups gnomAD compares: Non-Finnish European, 0.0029%; no homozygotes.

Submission:

Labcorp Genetics (formerly Invitae), Labcorp
Classification: Uncertain significance for Pulmonary hypertension, primary, 4. Last evaluated: 2025-03-14. Review status: criteria provided, single submitter. Criteria: Invitae Variant Classification Sherloc (09022015). Collection method: clinical testing. Allele origin: germline.
Comment: This sequence change replaces arginine, which is basic and polar, with histidine, which is basic and polar, at codon 151 of the KCNK3 protein (p.Arg151His). This variant is present in population databases (rs549923058, gnomAD 0.0009%). This variant has not been reported in the literature in individuals affected with KCNK3-related conditions. Invitae Evidence Modeling of protein sequence and biophysical properties (such as structural, functional, and spatial information, amino acid conservation, physicochemical variation, residue mobility, and thermodynamic stability) indicates that this missense variant is not expected to disrupt KCNK3 protein function with a negative predictive value of 80%. In summary, the available evidence is currently insufficient to determine the role of this variant in disease. Therefore, it has been classified as a Variant of Uncertain Significance.